The following is an entry in ClinVar:

ClinVar aggregate classification (germline): Pathogenic (1 of 4 stars; one submission).

Conditions:
Fabry disease. Also called: Fabry's disease; ALPHA-GALACTOSIDASE A DEFICIENCY; ANDERSON-FABRY DISEASE; CERAMIDE TRIHEXOSIDASE DEFICIENCY; GLA DEFICIENCY; HEREDITARY DYSTOPIC LIPIDOSIS. Identifiers: Orphanet 324, MedGen C0002986, MONDO:0010526, OMIM 301500, HP:0001071. Disease mechanism: Fabry disease is due to inactivating mutations in the X-linked GLA gene resulting in deficiency of the enzyme Alpha Galactosidase-A., loss of function.

Submission:

Genomenon, Inc
Classification: Pathogenic for Fabry disease. Last evaluated: 2026-09-08. Review status: criteria provided, single submitter. Criteria: Genomenon Sequence Variant Interpretation Standards - Updated. Collection method: curation. Allele origin: germline. Affected: yes.
Comment: GLA p.Ile239TyrfsTer11 (c.714dup) is a frameshift variant that is predicted to introduce a premature termination codon and result in a truncated or absent protein product. This variant has been observed in at least one proband with clinical features consistent with Fabry disease (PMID:38043112). Functional or patient cell studies have been reported (PMID:38043112). It is absent or not present at a significant frequency in gnomAD. In conclusion, we classify GLA p.Ile239TyrfsTer11 (c.714dup) as a pathogenic variant.

Literature cited by the submitters: PubMed 38043112.

NM_000169.3(GLA):c.714dup (p.Ile239fs)

Genes: GLA (galactosidase alpha; minus strand), RPL36A-HNRNPH2 (RPL36A-HNRNPH2 readthrough; plus strand). Cytogenetic location: Xq22.1.
Variant type: Duplication.
Coding change: c.714dup on transcript NM_000169.3 (MANE Select); coding-DNA position 714, one base duplicated (T; older notation c.714dupT).
Protein change: p.Ile239fs; shifts the reading frame from isoleucine 239.
Molecular consequence: frameshift variant. On other transcripts: non-coding transcript variant (3), intron variant (2).
Genome position (GRCh38, 1-based): chrX:101,398,872, A duplicated on the plus strand (T on the coding strand, the reverse complement: GLA is on the minus strand). VCF-style (leftmost placement, unchanged base first): chrX-101398871-T-TA. GRCh37 (hg19) VCF-style: chrX-100653859-T-TA.
Other names: c.837dup, p.Ile280fs (NM_001406747.1); c.714dup, p.Ile239fs (NM_001406748.1); c.300+3415dup (NM_001199973.2); c.177+7050dup (NM_001199974.2); short protein forms I239fs, I280fs.
Identifiers: ClinVar variation 4974915 (VCV004974915.1).